The following is an entry in ClinVar:

ClinVar aggregate classification (germline): Likely pathogenic (1 of 4 stars; one submission).

Conditions:
Seizures, benign familial infantile, 3 (BFIS3). Also called: Familial neonatal seizures; CONVULSIONS, BENIGN FAMILIAL INFANTILE, 3. Identifiers: Orphanet 140927, Orphanet 306, MedGen C1843140, MONDO:0011904, OMIM 607745.
Developmental and epileptic encephalopathy, 11 (DEE11). Also called: Early infantile epileptic encephalopathy 11. Identifiers: Orphanet 1934, MedGen C3150987, MONDO:0013388, OMIM 613721.

Submission:

Labcorp Genetics (formerly Invitae), Labcorp
Classification: Likely pathogenic for Seizures, benign familial infantile, 3; Developmental and epileptic encephalopathy, 11. Last evaluated: 2022-08-03. Review status: criteria provided, single submitter. Criteria: Invitae Variant Classification Sherloc (09022015). Collection method: clinical testing. Allele origin: germline.
Comment: In summary, the currently available evidence indicates that the variant is pathogenic, but additional data are needed to prove that conclusively. Therefore, this variant has been classified as Likely Pathogenic. Algorithms developed to predict the effect of missense changes on protein structure and function are either unavailable or do not agree on the potential impact of this missense change (SIFT: "Deleterious"; PolyPhen-2: "Possibly Damaging"; Align-GVGD: "Class C0"). This missense change has been observed in individual(s) with clinical features of epileptic encephalopathy with cerebellar atrophy (PMID: 31526516, 32695065, 34894057; Invitae). In at least one individual the variant was observed to be de novo. This variant is not present in population databases (gnomAD no frequency). This sequence change replaces phenylalanine, which is neutral and non-polar, with leucine, which is neutral and non-polar, at codon 978 of the SCN2A protein (p.Phe978Leu).

Literature cited by the submitters: PubMed 31526516; PubMed 32695065; PubMed 34894057.

NM_001040142.2(SCN2A):c.2934C>A (p.Phe978Leu)

Gene: SCN2A (sodium voltage-gated channel alpha subunit 2; plus strand). Cytogenetic location: 2q24.3.
Variant type: single nucleotide variant.
Coding change: c.2934C>A on transcript NM_001040142.2 (MANE Select); coding-DNA position 2934, C replaced by A.
Protein change: p.Phe978Leu; replaces phenylalanine 978 with leucine.
Molecular consequence: missense variant.
Genome position (GRCh38, 1-based): chr2:165,354,206, C>A. VCF-style: chr2-165354206-C-A. GRCh37 (hg19) VCF-style: chr2-166210716-C-A.
Other names: c.2934C>A, p.Phe978Leu (NM_001040143.2, NM_001371246.1, NM_001371247.1 and 1 more transcripts); short protein forms F978L.
Identifiers: ClinVar variation 2021309 (VCV002021309.4), dbSNP rs2468035572, ClinGen allele CA349019383.
Genomic context (GRCh38, chr2:165,354,206, plus strand): 5'-AAGCAATAGAATGTTTTGATCACCTGTTTTTCCTGCTGTGTTTCAGGTTCTGAACCTCTT[C>A]TTGGCCTTGCTTTTGAGTTCCTTCAGTTCTGACAATCTTGCTGCCACTGATGATGATAAC-3'
Protein context (NP_001035232.1, residues 968-988): VIGNLVVLNL[Phe978Leu]LALLLSSFSS